The following is an entry in ClinVar:

NM_024408.4(NOTCH2):c.4310G>A (p.Gly1437Asp)

Gene: NOTCH2 (notch receptor 2; minus strand). Cytogenetic location: 1p12.
Variant type: single nucleotide variant.
Coding change: c.4310G>A on transcript NM_024408.4 (MANE Select); coding-DNA position 4310, G replaced by A.
Protein change: p.Gly1437Asp; replaces glycine 1437 with aspartic acid.
Molecular consequence: missense variant.
Genome position (GRCh38, 1-based): chr1:119,925,506, C>T on the plus strand (G>A on the coding strand, the complement: NOTCH2 is on the minus strand). VCF-style: chr1-119925506-C-T. GRCh37 (hg19) VCF-style: chr1-120468129-C-T.
Other names: short protein forms G1437D.
Identifiers: ClinVar variation 2768474 (VCV002768474.4), dbSNP rs1396051263, ClinGen allele CA341890221.

ClinVar aggregate classification (germline): Uncertain significance. Review status: criteria provided, multiple submitters, no conflicts (2 of 4 stars). 2 submissions from 2 submitters: Uncertain significance (2). Last evaluated 2023-12-23.

Conditions:
Alagille syndrome due to a NOTCH2 point mutation. Also called: Alagille syndrome 2. Identifiers: Orphanet 261629, Orphanet 52, MedGen C1857761, MONDO:0012439, OMIM 610205.
Hajdu-Cheney syndrome (HJCYS). Also called: ACROOSTEOLYSIS WITH OSTEOPOROSIS AND CHANGES IN SKULL AND MANDIBLE; Acroosteolysis dominant type; SERPENTINE FIBULA-POLYCYSTIC KIDNEY SYNDROME. Identifiers: Orphanet 955, MedGen C0917715, MONDO:0007057, OMIM 102500.

gnomAD v4.1: 2 of 1,614,170 alleles (0.00012%); highest among the groups gnomAD compares: Non-Finnish European, 0.00017%; no homozygotes.

Submissions (2):

Fulgent Genetics
Classification: Uncertain significance for Hajdu-Cheney syndrome; Alagille syndrome due to a NOTCH2 point mutation. Last evaluated: 2023-12-23. Review status: criteria provided, single submitter. Criteria: ACMG Guidelines, 2015. Collection method: clinical testing. Allele origin: germline.

Labcorp Genetics (formerly Invitae), Labcorp
Classification: Uncertain significance for Hajdu-Cheney syndrome. Last evaluated: 2023-10-14. Review status: criteria provided, single submitter. Criteria: Invitae Variant Classification Sherloc (09022015). Collection method: clinical testing. Allele origin: germline.
Comment: This sequence change replaces glycine, which is neutral and non-polar, with aspartic acid, which is acidic and polar, at codon 1437 of the NOTCH2 protein (p.Gly1437Asp). This variant is present in population databases (no rsID available, gnomAD 0.002%). This variant has not been reported in the literature in individuals affected with NOTCH2-related conditions. Advanced modeling of protein sequence and biophysical properties (such as structural, functional, and spatial information, amino acid conservation, physicochemical variation, residue mobility, and thermodynamic stability) performed at Invitae indicates that this missense variant is not expected to disrupt NOTCH2 protein function. In summary, the available evidence is currently insufficient to determine the role of this variant in disease. Therefore, it has been classified as a Variant of Uncertain Significance.